The following is an entry in ClinVar:

ClinVar aggregate classification (germline): Uncertain significance (1 of 4 stars; one submission).

Conditions:
Oligodontia-cancer predisposition syndrome. Also called: TOOTH AGENESIS-COLORECTAL CANCER SYNDROME. Identifiers: Orphanet 300576, MedGen C1837750, MONDO:0012075, OMIM 608615. Disease mechanism: loss of function.

Submission:

Labcorp Genetics (formerly Invitae), Labcorp
Classification: Uncertain significance for Oligodontia-cancer predisposition syndrome. Last evaluated: 2021-07-01. Review status: criteria provided, single submitter. Criteria: Invitae Variant Classification Sherloc (09022015). Collection method: clinical testing. Allele origin: germline.
Comment: This variant is not present in population databases (ExAC no frequency). This variant has not been reported in the literature in individuals affected with AXIN2-related conditions. Algorithms developed to predict the effect of missense changes on protein structure and function (SIFT, PolyPhen-2, Align-GVGD) all suggest that this variant is likely to be tolerated. In summary, the available evidence is currently insufficient to determine the role of this variant in disease. Therefore, it has been classified as a Variant of Uncertain Significance. This sequence change replaces lysine with glutamic acid at codon 380 of the AXIN2 protein (p.Lys380Glu). The lysine residue is moderately conserved and there is a small physicochemical difference between lysine and glutamic acid.

NM_004655.4(AXIN2):c.1138A>G (p.Lys380Glu)

Gene: AXIN2 (axin 2; minus strand). Cytogenetic location: 17q24.1.
Variant type: single nucleotide variant.
Coding change: c.1138A>G on transcript NM_004655.4 (MANE Select); coding-DNA position 1138, A replaced by G.
Protein change: p.Lys380Glu; replaces lysine 380 with glutamic acid.
Molecular consequence: missense variant.
Genome position (GRCh38, 1-based): chr17:65,538,265, T>C on the plus strand (A>G on the coding strand, the complement: AXIN2 is on the minus strand). VCF-style: chr17-65538265-T-C. GRCh37 (hg19) VCF-style: chr17-63534383-T-C.
Other names: c.1138A>G, p.Lys380Glu (NM_001363813.1); short protein forms K380E.
Identifiers: ClinVar variation 1365095 (VCV001365095.8), dbSNP rs2144477260, ClinGen allele CA400678348.